The following is an entry in ClinVar:

NM_000069.3(CACNA1S):c.5293_5294delinsAG (p.Glu1765Arg)

Gene: CACNA1S (calcium voltage-gated channel subunit alpha1 S; minus strand). Cytogenetic location: 1q32.1.
Variant type: Indel.
Coding change: c.5293_5294delinsAG on transcript NM_000069.3 (MANE Select); coding-DNA positions 5293 to 5294, GA replaced by AG.
Protein change: p.Glu1765Arg; replaces glutamic acid 1765 with arginine.
Molecular consequence: missense variant.
Genome position (GRCh38, 1-based): chr1:201,040,307-201,040,308, TC replaced by CT on the plus strand (GA replaced by AG on the coding strand, the reverse complement: CACNA1S is on the minus strand). VCF-style: chr1-201040307-TC-CT. GRCh37 (hg19) VCF-style: chr1-201009435-TC-CT.
Other names: short protein forms E1765R.
Identifiers: ClinVar variation 2937567 (VCV002937567.3), dbSNP rs2464390486, ClinGen allele CA2740090464.

ClinVar aggregate classification (germline): Uncertain significance (1 of 4 stars; one submission).

Conditions:
Malignant hyperthermia, susceptibility to, 5 (MHS5). Also called: CACNA1S-Related Malignant Hyperthermia Susceptibility. Identifiers: Orphanet 423, MedGen C1866077, MONDO:0011163, OMIM 601887.
Hypokalemic periodic paralysis, type 1. Also called: HypoPP; Hypokalemic Periodic Paralysis Type 1 (AD). Identifiers: Orphanet 681, MedGen C3714580, MONDO:0042979, OMIM 170400.

Submission:

Labcorp Genetics (formerly Invitae), Labcorp
Classification: Uncertain significance for Hypokalemic periodic paralysis, type 1; Malignant hyperthermia, susceptibility to, 5. Last evaluated: 2023-04-12. Review status: criteria provided, single submitter. Criteria: Invitae Variant Classification Sherloc (09022015). Collection method: clinical testing. Allele origin: germline.
Comment: Information on the frequency of this variant in the gnomAD database is not available, as this variant may be reported differently in the database. This sequence change replaces glutamic acid, which is acidic and polar, with arginine, which is basic and polar, at codon 1765 of the CACNA1S protein (p.Glu1765Arg). In summary, the available evidence is currently insufficient to determine the role of this variant in disease. Therefore, it has been classified as a Variant of Uncertain Significance. An algorithm developed to predict the effect of missense changes on protein structure and function (PolyPhen-2) suggests that this variant is likely to be tolerated. This variant has not been reported in the literature in individuals affected with CACNA1S-related conditions.